The following is an entry in ClinVar:

NM_005263.5(GFI1):c.527G>C (p.Gly176Ala)

Gene: GFI1 (growth factor independent 1 transcriptional repressor; minus strand). Cytogenetic location: 1p22.1.
Variant type: single nucleotide variant.
Coding change: c.527G>C on transcript NM_005263.5 (MANE Select); coding-DNA position 527, G replaced by C.
Protein change: p.Gly176Ala; replaces glycine 176 with alanine.
Molecular consequence: missense variant.
Genome position (GRCh38, 1-based): chr1:92,480,860, C>G on the plus strand (G>C on the coding strand, the complement: GFI1 is on the minus strand). VCF-style: chr1-92480860-C-G. GRCh37 (hg19) VCF-style: chr1-92946417-C-G.
Other names: c.527G>C, p.Gly176Ala (NM_001127215.3, NM_001127216.3); short protein forms G176A.
Identifiers: ClinVar variation 3519846 (VCV003519846.3).

ClinVar aggregate classification (germline): Uncertain significance. Review status: criteria provided, multiple submitters, no conflicts (2 of 4 stars). 2 submissions from 2 submitters: Uncertain significance (2). Last evaluated 2024-12-06.

Conditions:
Neutropenia, severe congenital, 2, autosomal dominant. Identifiers: Orphanet 486, MedGen C2751288, MONDO:0013139, OMIM 613107.

gnomAD v4.1: 1 of 1,457,752 alleles (0.000069%); no homozygotes.

Submissions (2):

Ambry Genetics
Classification: Uncertain significance. Last evaluated: 2024-12-06. Review status: criteria provided, single submitter. Criteria: Ambry Variant Classification Scheme 2023. Collection method: clinical testing. Allele origin: germline.
Comment: The p.G176A variant (also known as c.527G>C), located in coding exon 3 of the GFI1 gene, results from a G to C substitution at nucleotide position 527. The glycine at codon 176 is replaced by alanine, an amino acid with similar properties. This amino acid position is conserved. In addition, this alteration is predicted to be tolerated by in silico analysis. Based on the available evidence, the clinical significance of this variant remains unclear.

Labcorp Genetics (formerly Invitae), Labcorp
Classification: Uncertain significance for Neutropenia, severe congenital, 2, autosomal dominant. Last evaluated: 2024-08-29. Review status: criteria provided, single submitter. Criteria: Invitae Variant Classification Sherloc (09022015). Collection method: clinical testing. Allele origin: germline.
Comment: This sequence change replaces glycine, which is neutral and non-polar, with alanine, which is neutral and non-polar, at codon 176 of the GFI1 protein (p.Gly176Ala). This variant is not present in population databases (gnomAD no frequency). This variant has not been reported in the literature in individuals affected with GFI1-related conditions. Invitae Evidence Modeling of protein sequence and biophysical properties (such as structural, functional, and spatial information, amino acid conservation, physicochemical variation, residue mobility, and thermodynamic stability) indicates that this missense variant is not expected to disrupt GFI1 protein function with a negative predictive value of 80%. In summary, the available evidence is currently insufficient to determine the role of this variant in disease. Therefore, it has been classified as a Variant of Uncertain Significance.